The following is an entry in ClinVar:

NM_020754.4(ARHGAP31):c.1901C>G (p.Ala634Gly)

Gene: ARHGAP31 (Rho GTPase activating protein 31; plus strand). Cytogenetic location: 3q13.33.
Variant type: single nucleotide variant.
Coding change: c.1901C>G on transcript NM_020754.4 (MANE Select); coding-DNA position 1901, C replaced by G.
Protein change: p.Ala634Gly; replaces alanine 634 with glycine.
Molecular consequence: missense variant.
Genome position (GRCh38, 1-based): chr3:119,409,751, C>G. VCF-style: chr3-119409751-C-G. GRCh37 (hg19) VCF-style: chr3-119128598-C-G.
Other names: short protein forms A634G.
Identifiers: ClinVar variation 4976439 (VCV004976439.1).

ClinVar aggregate classification (germline): Uncertain significance (1 of 4 stars; one submission).

Submission:

GeneDx
Classification: Uncertain significance. Last evaluated: 2026-02-08. Review status: criteria provided, single submitter. Criteria: GeneDx Variant Classification Process June 2021. Collection method: clinical testing. Allele origin: germline.
Comment: Not observed at significant frequency in large population cohorts (gnomAD); In silico analysis suggests that this missense variant does not alter protein structure/function; Has not been previously published as pathogenic or benign to our knowledge